The following is an entry in ClinVar:

NM_014908.4(DOLK):c.800G>T (p.Ser267Ile)

Gene: DOLK (dolichol kinase; minus strand). Cytogenetic location: 9q34.11.
Variant type: single nucleotide variant.
Coding change: c.800G>T on transcript NM_014908.4 (MANE Select); coding-DNA position 800, G replaced by T.
Protein change: p.Ser267Ile; replaces serine 267 with isoleucine.
Molecular consequence: missense variant.
Genome position (GRCh38, 1-based): chr9:128,946,504, C>A on the plus strand (G>T on the coding strand, the complement: DOLK is on the minus strand). VCF-style: chr9-128946504-C-A. GRCh37 (hg19) VCF-style: chr9-131708783-C-A.
Other names: short protein forms S267I.
Identifiers: ClinVar variation 1910987 (VCV001910987.5), dbSNP rs1161704628, ClinGen allele CA375122778.

ClinVar aggregate classification (germline): Uncertain significance (1 of 4 stars; one submission).

Conditions:
DK1-congenital disorder of glycosylation. Also called: CDG Im; DK1 DEFICIENCY; DOLICHOL KINASE DEFICIENCY; CONGENITAL DISORDER OF GLYCOSYLATION, TYPE Im; DK1-CDG; DOLK-congenital disorder of glycosylation. Identifiers: Orphanet 91131, MedGen C1835849, MONDO:0012556, OMIM 610768.

Submission:

Labcorp Genetics (formerly Invitae), Labcorp
Classification: Uncertain significance for DK1-congenital disorder of glycosylation. Last evaluated: 2021-11-30. Review status: criteria provided, single submitter. Criteria: Invitae Variant Classification Sherloc (09022015). Collection method: clinical testing. Allele origin: germline.
Comment: In summary, the available evidence is currently insufficient to determine the role of this variant in disease. Therefore, it has been classified as a Variant of Uncertain Significance. Algorithms developed to predict the effect of missense changes on protein structure and function (SIFT, PolyPhen-2, Align-GVGD) all suggest that this variant is likely to be tolerated. This variant has not been reported in the literature in individuals affected with DOLK-related conditions. This variant is not present in population databases (gnomAD no frequency). This sequence change replaces serine, which is neutral and polar, with isoleucine, which is neutral and non-polar, at codon 267 of the DOLK protein (p.Ser267Ile).